The following is an entry in ClinVar:

ClinVar aggregate classification (germline): Uncertain significance (1 of 4 stars; one submission).

Submission:

Labcorp Genetics (formerly Invitae), Labcorp
Classification: Uncertain significance. Last evaluated: 2022-06-30. Review status: criteria provided, single submitter. Criteria: Invitae Variant Classification Sherloc (09022015). Collection method: clinical testing. Allele origin: germline.
Comment: This variant has not been reported in the literature in individuals affected with PLOD3-related conditions. In summary, the available evidence is currently insufficient to determine the role of this variant in disease. Therefore, it has been classified as a Variant of Uncertain Significance. Algorithms developed to predict the effect of sequence changes on RNA splicing suggest that this variant may disrupt the consensus splice site. Experimental studies and prediction algorithms are not available or were not evaluated, and the functional significance of this variant is currently unknown. This variant is not present in population databases (gnomAD no frequency). This variant, c.1003_1005del, results in the deletion of 1 amino acid(s) of the PLOD3 protein (p.Asn335del), but otherwise preserves the integrity of the reading frame.

NM_001084.5(PLOD3):c.1000AAC[1] (p.Asn335del)

Gene: PLOD3 (procollagen-lysine,2-oxoglutarate 5-dioxygenase 3; minus strand). Cytogenetic location: 7q22.1.
Variant type: Microsatellite.
Coding change: c.1000AAC[1] on transcript NM_001084.5 (MANE Select); one copy of the 3-base unit AAC starting at c.1000; the reference has two copies in a row; one copy, 3 bases deleted.
Protein change: p.Asn335del; deletes asparagine 335.
Molecular consequence: inframe deletion.
Genome position (GRCh38, 1-based): chr7:101,212,530-101,212,532, GTT deleted on the plus strand (AAC on the coding strand, the reverse complement: PLOD3 is on the minus strand); deleting any 3 consecutive bases within chr7:101,212,530-101,212,537 gives the same sequence; the position shown is the placement nearest the transcript's 3' end. VCF-style (leftmost placement, unchanged base first): chr7-101212529-CGTT-C. GRCh37 (hg19) VCF-style: chr7-100855810-CGTT-C.
Other names: short protein forms N335del.
Identifiers: ClinVar variation 1961720 (VCV001961720.5), dbSNP rs1798201211, ClinGen allele CA1105108190.